The following is an entry in ClinVar:

ClinVar aggregate classification (germline): Uncertain significance (1 of 4 stars; one submission).

Conditions:
Primary ciliary dyskinesia. Also called: Ciliary dyskinesia. Identifiers: Orphanet 244, MedGen C0008780, MONDO:0016575, HP:0012265.

Submission:

Labcorp Genetics (formerly Invitae), Labcorp
Classification: Uncertain significance for Primary ciliary dyskinesia. Last evaluated: 2024-08-21. Review status: criteria provided, single submitter. Criteria: Invitae Variant Classification Sherloc (09022015). Collection method: clinical testing. Allele origin: germline.
Comment: This variant, c.335_337delinsTAC, is a complex sequence change that results in the deletion of 2 and insertion of 2 amino acid(s) in the RSPH4A protein (p.Arg112_Thr113delinsIlePro). Information on the frequency of this variant in the gnomAD database is not available, as this variant may be reported differently in the database. This variant has not been reported in the literature in individuals affected with RSPH4A-related conditions. ClinVar contains an entry for this variant (Variation ID: 1420865). Experimental studies and prediction algorithms are not available or were not evaluated, and the functional significance of this variant is currently unknown. In summary, the available evidence is currently insufficient to determine the role of this variant in disease. Therefore, it has been classified as a Variant of Uncertain Significance.

NM_001010892.3(RSPH4A):c.335_337delinsTAC (p.Arg112_Thr113delinsIlePro)

Gene: RSPH4A (radial spoke head component 4A; plus strand). Cytogenetic location: 6q22.1.
Variant type: Indel.
Coding change: c.335_337delinsTAC on transcript NM_001010892.3 (MANE Select); coding-DNA positions 335 to 337, GGA replaced by TAC.
Protein change: p.Arg112_Thr113delinsIlePro.
Molecular consequence: missense variant.
Genome position (GRCh38, 1-based): chr6:116,616,958-116,616,960, GGA replaced by TAC. VCF-style: chr6-116616958-GGA-TAC. GRCh37 (hg19) VCF-style: chr6-116938121-GGA-TAC.
Other names: c.335_337delinsTAC, p.Arg112_Thr113delinsIlePro (NM_001161664.2).
Identifiers: ClinVar variation 1420865 (VCV001420865.6), dbSNP rs2115351269, ClinGen allele CA2573140424.
Genomic context (GRCh38, chr6:116,616,958, plus strand): 5'-CCTCTCCTTCTCCCCTGGCTCCGGCCAGACAAGACCTCGCGGCACCACCTCAGTCGGACA[GGA>TAC]CCACGAGTGTGATTCCTGAAGCTGGGACACCTTATCCTGATCCTTTGGAACAATCATCTG-3'